The following is an entry in ClinVar:

NM_170606.3(KMT2C):c.11428_11430dup (p.Leu3810_Val3811insLeu)

Gene: KMT2C (lysine methyltransferase 2C; minus strand). Cytogenetic location: 7q36.1.
Variant type: Duplication.
Coding change: c.11428_11430dup on transcript NM_170606.3 (MANE Select); coding-DNA positions 11428 to 11430, 3 bases duplicated (CTA; older notation c.11428_11430dupCTA).
Protein change: p.Leu3810_Val3811insLeu.
Molecular consequence: inframe insertion.
Genome position (GRCh38, 1-based): chr7:152,162,147-152,162,149, TAG duplicated on the plus strand (CTA on the coding strand, the reverse complement: KMT2C is on the minus strand); duplicating any 3 consecutive bases within chr7:152,162,147-152,162,150 gives the same sequence; the c. name uses the placement nearest the transcript's 3' end. VCF-style (leftmost placement, unchanged base first): chr7-152162146-C-CTAG. GRCh37 (hg19) VCF-style: chr7-151859231-C-CTAG.
Identifiers: ClinVar variation 2228385 (VCV002228385.2), dbSNP rs773440423, ClinGen allele CA4579103.

ClinVar aggregate classification (germline): Uncertain significance (1 of 4 stars; one submission).

Conditions:
Inborn genetic diseases. Identifiers: MedGen C0950123, MeSH D030342.

Submission:

Ambry Genetics
Classification: Uncertain significance for Inborn genetic diseases. Last evaluated: 2021-05-11. Review status: criteria provided, single submitter. Criteria: Ambry Variant Classification Scheme 2023. Collection method: clinical testing. Allele origin: germline.
Comment: The c.11428_11430dupCTA () alteration is located in exon 43 (coding exon 43) of the KMT2C gene. The alteration consists of an in-frame duplication of 3 nucleotides from position 11428 to 11430, resulting in the duplication of <NA> residues. Based on insufficient or conflicting evidence, the clinical significance of this alteration remains unclear.